The following is an entry in ClinVar:

ClinVar aggregate classification (germline): Pathogenic. Review status: criteria provided, multiple submitters, no conflicts (2 of 4 stars). 17 submissions from 17 submitters: Pathogenic (14). 3 of the submissions do not count toward it. Last evaluated 2025-11-24.

Conditions:
Dehydrated hereditary stomatocytosis with or without pseudohyperkalemia and/or perinatal edema (DHS1). Also called: DEHYDRATED HEREDITARY STOMATOCYTOSIS AND PSEUDOHYPERKALEMIA; DEHYDRATED HEREDITARY STOMATOCYTOSIS WITH PSEUDOHYPERKALEMIA AND PERINATAL EDEMA; Pseudohyperkalemia, familial, 1, due to red cell leak; PSEUDOHYPERKALEMIA EDINBURGH; Dehydrated hereditary stomatocytosis 1 with or without pseudohyperkalemia and/or perinatal edema. Identifiers: Orphanet 3202, MedGen C4551512, MONDO:0008689, OMIM 194380.
Blood group, ER (ER). Also called: ER BLOOD GROUP SYSTEM. Identifiers: MedGen C5703066, OMIM 620207.
Lymphatic malformation 6 (LMPHM6). Also called: PIEZO1-related generalized lymphatic dysplasia with non-immune hydrops fetalis; GENERALIZED LYMPHATIC DYSPLASIA OF FOTIOU; Lymphedema, hereditary, III. Identifiers: Orphanet 568062, MedGen C4225184, MONDO:0014797, OMIM 616843.
PIEZO1-related disorder. Also called: PIEZO1-related condition; PIEZO1-Related Disorders.
Non-immune hydrops fetalis (NIHF). Also called: Idiopathic hydrops fetalis; Familial non-immune hydrops fetalis; Fetal edema. Identifiers: Orphanet 363999, MedGen C0455988, MONDO:0009369, OMIM 236750, HP:0001790.

Allele frequency attached by ClinVar (database versions not stated): gnomAD exomes below 0.00001.
gnomAD v4.1: 1 of 1,550,364 alleles (0.000065%); no homozygotes.

Submissions 1 to 11 of 17:

GeneDx
Classification: Pathogenic. Last evaluated: 2025-11-24. Review status: criteria provided, single submitter. Criteria: GeneDx Variant Classification Process June 2021. Collection method: clinical testing. Allele origin: germline. Affected: yes.
Comment: In silico analysis supports that this missense variant has a deleterious effect on protein structure/function; Not observed at significant frequency in large population cohorts (gnomAD); This variant is associated with the following publications: (PMID: 25561736, 23973043, 29969830, 24314002, 23695678, 22529292, 28716860, 21944700, 31624108, 31040790, 23479567, 23972832, 31030808, 29797310, 29396846, 34201899, 37697358, 36882369, 39558179, 31737919, 23487776, 23581886, 29673682, 30655378)

Institute of Medical Genetics and Applied Genomics, University Hospital Tübingen
Classification: Pathogenic for Dehydrated hereditary stomatocytosis with or without pseudohyperkalemia and/or perinatal edema. Last evaluated: 2025-05-12. Review status: criteria provided, single submitter. Criteria: ACMG Guidelines, 2015. Collection method: clinical testing. Allele origin: germline. Inheritance: Autosomal dominant inheritance. Affected: yes.

Center for Genomic Medicine, Rigshospitalet, Copenhagen University Hospital
Classification: Pathogenic. Last evaluated: 2025-03-04. Review status: criteria provided, single submitter. Criteria: ACMG Guidelines, 2015. Collection method: clinical testing. Allele origin: germline.

PreventionGenetics, part of Exact Sciences
Classification: Pathogenic for PIEZO1-related condition. Last evaluated: 2025-02-04. Review status: criteria provided, single submitter. Criteria: ACMG Guidelines, 2015. Collection method: clinical testing. Allele origin: germline.
Comment: The PIEZO1 c.7367G>A variant is predicted to result in the amino acid substitution p.Arg2456His. This variant has been reported in individuals and families segregated with hereditary xerocytosis (see for example, Andolfo et al. 2013. PubMed ID: 23479567; Albuisson et al. 2013. PubMed ID: 23695678; Moura et al. 2020. PubMed ID: 31624108). Functional studies have shown that this variant results in a gain-of-function phenotype with generation of mechanically activated currents leading to delayed channel inactivation (Andolfo et al. 2013. PubMed ID: 23479567; Albuisson et al. 2013. PubMed ID: 23695678; Glogowska et al. 2017. PubMed ID: 28716860). This variant has not been reported in a large population database, indicating this variant is rare. This variant is interpreted as pathogenic.

Labcorp Genetics (formerly Invitae), Labcorp
Classification: Pathogenic. Last evaluated: 2024-12-07. Review status: criteria provided, single submitter. Criteria: Invitae Variant Classification Sherloc (09022015). Collection method: clinical testing. Allele origin: germline.
Comment: This sequence change replaces arginine, which is basic and polar, with histidine, which is basic and polar, at codon 2456 of the PIEZO1 protein (p.Arg2456His). This variant is not present in population databases (gnomAD no frequency). This missense change has been observed in individual(s) with autosomal dominant hereditary xerocytosis (PMID: 22529292, 23581886, 23973043, 24314002). It has also been observed to segregate with disease in related individuals. ClinVar contains an entry for this variant (Variation ID: 55806). Invitae Evidence Modeling of protein sequence and biophysical properties (such as structural, functional, and spatial information, amino acid conservation, physicochemical variation, residue mobility, and thermodynamic stability) indicates that this missense variant is expected to disrupt PIEZO1 protein function with a positive predictive value of 80%. Experimental studies have shown that this missense change affects PIEZO1 function (PMID: 23479567, 23487776, 23695678, 28716860). For these reasons, this variant has been classified as Pathogenic.

Revvity Omics, Revvity
Classification: Pathogenic. Last evaluated: 2024-12-06. Review status: criteria provided, single submitter. Criteria: ACMG Guidelines, 2015. Collection method: clinical testing. Allele origin: germline.

ARUP Laboratories, Molecular Genetics and Genomics, ARUP Laboratories
Classification: Pathogenic. Last evaluated: 2024-09-24. Review status: criteria provided, single submitter. Criteria: ARUP Molecular Germline Variant Investigation Process 2024. Collection method: clinical testing. Allele origin: germline.
Comment: The PIEZO1 c.7367G>A; p.Arg2456His variant (rs587776988, ClinVar ID: 55806) is reported in the literature in individuals affected with dehydrated hereditary stomatocytosis, also known as hereditary xerocytosis (Andolfo 2013, Beneteau 2014, Jamwal 2023, Jankovsky 2021, Moura 2020, Picard 2019, Russo 2018, Sandberg 2014, Shmukler 2014, Zarychanski 2012). This variant is absent from the Genome Aggregation Database (v2.1.1), indicating it is not a common polymorphism. In vitro functional analyses demonstrate prolonged cation channel activity leading to reduced osmotic fragility (Albuisson 2013, Andolfo 2013, Bae 2013, Glogowska 2017, Shmukler 2014). Computational analyses predict that this variant is deleterious (REVEL: 0.849). Based on available information, this variant is considered to be pathogenic. References: Albuisson J et al. Dehydrated hereditary stomatocytosis linked to gain-of-function mutations in mechanically activated PIEZO1 ion channels. Nat Commun. 2013 PMID: 23695678 Andolfo I et al. Multiple clinical forms of dehydrated hereditary stomatocytosis arise from mutations in PIEZO1. Blood. 2013 May 9. PMID: 23479567 Bae C et al. Xerocytosis is caused by mutations that alter the kinetics of the mechanosensitive channel PIEZO1. Proc Natl Acad Sci U S A. 2013 Mar 19. PMID: 23487776 Beneteau C et al. Recurrent mutation in the PIEZO1 gene in two families of hereditary xerocytosis with fetal hydrops. Clin Genet. 2014 Mar. PMID: 23581886 Glogowska E et al. Novel mechanisms of PIEZO1 dysfunction in hereditary xerocytosis. Blood. 2017 Oct 19. PMID: 28716860 Jamwal M et al. Dehydrated hereditary stomatocytosis masquerading as primary haemochromatosis: a diagnostic challenge. Pathology. 2023 Oct. PMID: 37393146 Jankovsky N et al. Recent advances in the pathophysiology of PIEZO1-related hereditary xerocytosis. Am J Hematol. 2021 Aug 1. PMID: 33848364 Moura PL et al. PIEZO1 gain-of-function mutations delay reticulocyte maturation in hereditary xerocytosis. Haematologica. 2020 Jun. PMID: 31624108 Picard V et al. Clinical and biological features in PIEZO1-hereditary xerocytosis and Gardos channelopathy: a retrospective series of 126 patients. Haematologica. 2019 Aug. PMID: 30655378 Russo R et al. Multi-gene panel testing improves diagnosis and management of patients with hereditary anemias. Am J Hematol. 2018 May. PMID: 29396846 Sandberg MB et al. Hereditary xerocytosis and familial haemolysis due to mutation in the PIEZO1 gene: a simple diagnostic approach. Int J Lab Hematol. 2014 Aug. PMID: 24314002 Shmukler BE et al. Dehydrated stomatocytic anemia due to the heterozygous mutation R2456H in the mechanosensitive cation channel PIEZO1: a case report. Blood Cells Mol Dis. 2014 Jan. PMID: 23973043 Zarychanski R et al. Mutations in the mechanotransduction protein PIEZO1 are associated with hereditary xerocytosis. Blood. 2012 Aug 30. PMID: 22529292

Blueprint Genetics
Classification: Pathogenic for PIEZO1-related disorders. Last evaluated: 2024-04-25. Review status: criteria provided, single submitter. Criteria: ACMG Guidelines, 2015. Collection method: clinical testing. Allele origin: germline. Affected: yes. Observed: 5 variant alleles.

Fulgent Genetics
Classification: Pathogenic for Dehydrated hereditary stomatocytosis with or without pseudohyperkalemia and/or perinatal edema; Lymphatic malformation 6; Blood group, ER. Last evaluated: 2024-03-07. Review status: criteria provided, single submitter. Criteria: ACMG Guidelines, 2015. Collection method: clinical testing. Allele origin: germline.

Mayo Clinic Laboratories, Mayo Clinic
Classification: Pathogenic. Last evaluated: 2024-01-23. Review status: criteria provided, single submitter. Criteria: ACMG Guidelines, 2015. Collection method: clinical testing. Allele origin: germline. Observed: 2 variant alleles.

Baylor Genetics
Classification: Pathogenic for Dehydrated hereditary stomatocytosis with or without pseudohyperkalemia and/or perinatal edema. Last evaluated: 2024-01-15. Review status: criteria provided, single submitter. Criteria: ACMG Guidelines, 2015. Collection method: clinical testing. Allele origin: unknown.

NM_001142864.4(PIEZO1):c.7367G>A (p.Arg2456His)

Gene: PIEZO1 (piezo type mechanosensitive ion channel component 1 (Er blood group); minus strand). Cytogenetic location: 16q24.3.
Variant type: single nucleotide variant.
Coding change: c.7367G>A on transcript NM_001142864.4 (MANE Select); coding-DNA position 7367, G replaced by A.
Protein change: p.Arg2456His; replaces arginine 2456 with histidine.
Molecular consequence: missense variant.
Genome position (GRCh38, 1-based): chr16:88,715,804, C>T on the plus strand (G>A on the coding strand, the complement: PIEZO1 is on the minus strand). VCF-style: chr16-88715804-C-T. GRCh37 (hg19) VCF-style: chr16-88782212-C-T.
Other names: c.7367G>A, p.Arg2456His (LRG_1137t1); c.7367G>A (NM_001142864.3); short protein forms R2456H.
Identifiers: ClinVar variation 55806 (VCV000055806.39), dbSNP rs587776988, ClinGen allele CA211287.